The following is an entry in ClinVar:

NM_001283009.2(RTEL1):c.2851+6C>G

Genes: RTEL1 (regulator of telomere elongation helicase 1; plus strand), RTEL1-TNFRSF6B (RTEL1-TNFRSF6B readthrough (NMD candidate); plus strand). Cytogenetic location: 20q13.33.
Variant type: single nucleotide variant.
Coding change: c.2851+6C>G on transcript NM_001283009.2 (MANE Select); 6 bases into the intron after coding-DNA position 2851, C replaced by G.
Molecular consequence: intron variant.
Genome position (GRCh38, 1-based): chr20:63,693,009, C>G. VCF-style: chr20-63693009-C-G. GRCh37 (hg19) VCF-style: chr20-62324362-C-G.
Other names: c.2182+6C>G (NM_001283010.1); c.2923+6C>G (NM_032957.5); c.2851+6C>G (NM_016434.4).
Identifiers: ClinVar variation 1401517 (VCV001401517.10), dbSNP rs1601183088, ClinGen allele CA2374932992.

ClinVar aggregate classification (germline): Uncertain significance (1 of 4 stars; one submission).

Conditions:
Dyskeratosis congenita, autosomal recessive 5 (DKCB5). Identifiers: MedGen C3554656, MONDO:0014076, OMIM 615190.
Pulmonary fibrosis and/or bone marrow failure, Telomere-related, 3. Also called: PULMONARY FIBROSIS AND/OR BONE MARROW FAILURE SYNDROME, TELOMERE-RELATED, 3. Identifiers: Orphanet 2032, MedGen C4225346, MONDO:0014613, OMIM 616373.

gnomAD v4.1: 2 of 1,612,424 alleles (0.00012%); highest among the groups gnomAD compares: Admixed American, 0.0017%; no homozygotes.

Submission:

Labcorp Genetics (formerly Invitae), Labcorp
Classification: Uncertain significance for Dyskeratosis congenita, autosomal recessive 5; Pulmonary fibrosis and/or bone marrow failure, Telomere-related, 3. Last evaluated: 2022-06-09. Review status: criteria provided, single submitter. Criteria: Invitae Variant Classification Sherloc (09022015). Collection method: clinical testing. Allele origin: germline.
Comment: This sequence change falls in intron 29 of the RTEL1 gene. It does not directly change the encoded amino acid sequence of the RTEL1 protein. It affects a nucleotide within the consensus splice site. This variant is not present in population databases (gnomAD no frequency). This variant has not been reported in the literature in individuals affected with RTEL1-related conditions. Variants that disrupt the consensus splice site are a relatively common cause of aberrant splicing (PMID: 17576681, 9536098). Algorithms developed to predict the effect of sequence changes on RNA splicing suggest that this variant is not likely to affect RNA splicing. In summary, the available evidence is currently insufficient to determine the role of this variant in disease. Therefore, it has been classified as a Variant of Uncertain Significance.

Literature cited by the submitters: PubMed 17576681; PubMed 9536098.